The following is an entry in ClinVar:

ClinVar aggregate classification (germline): Likely benign. Review status: criteria provided, multiple submitters, no conflicts (2 of 4 stars). 2 submissions from 2 submitters: Likely benign (2). Last evaluated 2026-05-22.

Conditions:
Early-infantile DEE. Also called: Early infantile epileptic encephalopathy; Early infantile epileptic encephalopathy with suppression bursts; Ohtahara syndrome. Identifiers: Orphanet 1934, MedGen C0393706, MONDO:0800491.
SCN8A-related disorder.

Allele frequency attached by ClinVar (database versions not stated): gnomAD exomes below 0.00001; TOPMed 0.00001.
gnomAD v4.1: 1 of 1,613,918 alleles (0.000062%); highest among the groups gnomAD compares: Middle Eastern, 0.016%; no homozygotes.

Submissions (2):

PreventionGenetics, part of Exact Sciences
Classification: Likely benign for SCN8A-related condition. Last evaluated: 2026-05-22. Review status: criteria provided, single submitter. Criteria: ACMG Guidelines, 2015. Collection method: clinical testing. Allele origin: germline.
Comment: This variant is classified as likely benign based on ACMG/AMP sequence variant interpretation guidelines (Richards et al. 2015 PMID: 25741868, with internal and published modifications).

Labcorp Genetics (formerly Invitae), Labcorp
Classification: Likely benign for Early-infantile DEE. Last evaluated: 2025-08-28. Review status: criteria provided, single submitter. Criteria: Invitae Variant Classification Sherloc (09022015). Collection method: clinical testing. Allele origin: germline.

NM_001330260.2(SCN8A):c.2302C>T (p.Leu768=)

Gene: SCN8A (sodium voltage-gated channel alpha subunit 8; plus strand). Cytogenetic location: 12q13.13.
Variant type: single nucleotide variant.
Coding change: c.2302C>T on transcript NM_001330260.2 (MANE Select); coding-DNA position 2302, C replaced by T.
Protein change: p.Leu768=; no amino-acid change (leucine 768 retained).
Molecular consequence: synonymous variant.
Genome position (GRCh38, 1-based): chr12:51,751,525, C>T. VCF-style: chr12-51751525-C-T. GRCh37 (hg19) VCF-style: chr12-52145309-C-T.
Other names: c.2302C>T, p.Leu768= (NM_001177984.3, NM_001369788.1, NM_014191.4); c.2302C>T (NM_014191.3).
Identifiers: ClinVar variation 2138718 (VCV002138718.5), dbSNP rs1942595336, ClinGen allele CA480061163.